The following is an entry in ClinVar:

ClinVar aggregate classification (germline): Pathogenic (1 of 4 stars; one submission).

Conditions:
Hereditary hemorrhagic telangiectasia (HHT). Also called: ORW DISEASE; Osler Weber Rendu syndrome; OSLER-RENDU-WEBER DISEASE; Osler hemorrhagic telangiectasia syndrome. Identifiers: Orphanet 774, MedGen C0039445, MONDO:0019180. Disease mechanism: loss of function.

Submission:

Labcorp Genetics (formerly Invitae), Labcorp
Classification: Pathogenic for Hereditary hemorrhagic telangiectasia. Last evaluated: 2022-05-12. Review status: criteria provided, single submitter. Criteria: Invitae Variant Classification Sherloc (09022015). Collection method: clinical testing. Allele origin: germline.
Comment: For these reasons, this variant has been classified as Pathogenic. This variant has not been reported in the literature in individuals affected with ENG-related conditions. This variant is not present in population databases (gnomAD no frequency). This sequence change creates a premature translational stop signal (p.Ile146Thrfs*17) in the ENG gene. It is expected to result in an absent or disrupted protein product. Loss-of-function variants in ENG are known to be pathogenic (PMID: 15879500).

Literature cited by the submitters: PubMed 15879500.

NM_001114753.3(ENG):c.437del (p.Ile146fs)

Gene: ENG (endoglin; minus strand). Cytogenetic location: 9q34.11.
Variant type: Deletion.
Coding change: c.437del on transcript NM_001114753.3 (MANE Select); coding-DNA position 437, one base deleted (T; older notation c.437delT).
Protein change: p.Ile146fs; shifts the reading frame from isoleucine 146.
Molecular consequence: frameshift variant. On other transcripts: 5 prime UTR variant (1).
Genome position (GRCh38, 1-based): chr9:127,826,596, A deleted on the plus strand (T on the coding strand, the reverse complement: ENG is on the minus strand). VCF-style (leftmost placement, unchanged base first): chr9-127826595-GA-G. GRCh37 (hg19) VCF-style: chr9-130588874-GA-G.
Other names: c.437delT, p.Ile146Thrfs (NM_000118.4, NM_001406715.1); c.-110del (NM_001278138.2); short protein forms I146fs.
Identifiers: ClinVar variation 2055770 (VCV002055770.4), dbSNP rs2539077908, ClinGen allele CA2580079703.